The following is an entry in ClinVar:

ClinVar aggregate classification (germline): Pathogenic (1 of 4 stars; one submission).

Submission:

Labcorp Genetics (formerly Invitae), Labcorp
Classification: Pathogenic. Last evaluated: 2023-11-10. Review status: criteria provided, single submitter. Criteria: Invitae Variant Classification Sherloc (09022015). Collection method: clinical testing. Allele origin: germline.
Comment: This sequence change creates a premature translational stop signal (p.Gln458Valfs*14) in the TWNK gene. It is expected to result in an absent or disrupted protein product. Loss-of-function variants in TWNK are known to be pathogenic (PMID: 21681116, 27551684, 31455392). This variant is not present in population databases (gnomAD no frequency). This variant has not been reported in the literature in individuals affected with TWNK-related conditions. Algorithms developed to predict the effect of sequence changes on RNA splicing suggest that this variant may create or strengthen a splice site. For these reasons, this variant has been classified as Pathogenic.

Literature cited by the submitters: PubMed 21681116; PubMed 27551684; PubMed 31455392.

NM_021830.5(TWNK):c.1372_1373del (p.Gln458fs)

Gene: TWNK (twinkle mtDNA helicase; plus strand). Cytogenetic location: 10q24.31.
Variant type: Microsatellite.
Coding change: c.1372_1373del on transcript NM_021830.5 (MANE Select); coding-DNA positions 1372 to 1373, 2 bases deleted (CA; older notation c.1372_1373delCA).
Protein change: p.Gln458fs; shifts the reading frame from glutamine 458.
Molecular consequence: frameshift variant. On other transcripts: non-coding transcript variant (5).
Genome position (GRCh38, 1-based): chr10:100,989,772-100,989,773, CA deleted; deleting any 2 consecutive bases within chr10:100,989,769-100,989,773 gives the same sequence; the c. name uses the placement nearest the transcript's 3' end. VCF-style (leftmost placement, unchanged base first): chr10-100989768-GAC-G. GRCh37 (hg19) VCF-style: chr10-102749525-GAC-G.
Other names: c.1372_1373del, p.Gln458fs (NM_001163812.2); c.10_11del, p.Gln4fs (NM_001163813.2, NM_001163814.2, NM_001368275.1); short protein forms Q4fs, Q458fs.
Identifiers: ClinVar variation 2694949 (VCV002694949.3), dbSNP rs2493636610, ClinGen allele CA2610573250.